The following is an entry in ClinVar:

ClinVar aggregate classification (germline): Uncertain significance. Review status: criteria provided, multiple submitters, no conflicts (2 of 4 stars). 5 submissions from 5 submitters: Uncertain significance (4). 1 of the submissions does not count toward it. Last evaluated 2024-02-19.

Conditions:
Inborn genetic diseases. Identifiers: MedGen C0950123, MeSH D030342.
Multiple acyl-CoA dehydrogenase deficiency (MADD). Also called: ETHYLMALONIC-ADIPICACIDURIA; GA II; Glutaric aciduria, type 2; Glutaric acidemia type II; GA 2; Glutaric Acidemia type 2. Identifiers: Orphanet 26791, MedGen C0268596, MONDO:0009282, OMIM 231680.

Allele frequency attached by ClinVar (database versions not stated): gnomAD exomes 0.00004 and 0.00007; ExAC 0.00007; gnomAD 0.00007; TOPMed 0.00009; ESP Exome Variant Server 0.00015.
gnomAD v4.1: 83 of 1,573,214 alleles (0.0053%); highest among the groups gnomAD compares: Admixed American, 0.0017%; no homozygotes.

Submissions (5):

Blueprint Genetics
Classification: Uncertain significance. Last evaluated: 2024-02-19. Review status: criteria provided, single submitter. Criteria: ACMG Guidelines, 2015. Collection method: clinical testing. Allele origin: germline.

Labcorp Genetics (formerly Invitae), Labcorp
Classification: Uncertain significance for Multiple acyl-CoA dehydrogenase deficiency. Last evaluated: 2022-07-15. Review status: criteria provided, single submitter. Criteria: Invitae Variant Classification Sherloc (09022015). Collection method: clinical testing. Allele origin: germline.
Comment: This sequence change replaces valine, which is neutral and non-polar, with isoleucine, which is neutral and non-polar, at codon 142 of the ETFDH protein (p.Val142Ile). This variant is present in population databases (rs146982178, gnomAD 0.2%). This variant has not been reported in the literature in individuals affected with ETFDH-related conditions. ClinVar contains an entry for this variant (Variation ID: 990930). Algorithms developed to predict the effect of missense changes on protein structure and function (SIFT, PolyPhen-2, Align-GVGD) all suggest that this variant is likely to be disruptive. In summary, the available evidence is currently insufficient to determine the role of this variant in disease. Therefore, it has been classified as a Variant of Uncertain Significance.

Ambry Genetics
Classification: Uncertain significance for Inborn genetic diseases. Last evaluated: 2022-05-13. Review status: criteria provided, single submitter. Criteria: Ambry Variant Classification Scheme 2023. Collection method: clinical testing. Allele origin: germline.

Fulgent Genetics
Classification: Uncertain significance for Multiple acyl-CoA dehydrogenase deficiency. Last evaluated: 2022-02-16. Review status: criteria provided, single submitter. Criteria: ACMG Guidelines, 2015. Collection method: clinical testing. Allele origin: unknown.

Natera, Inc.
Classification: Uncertain significance for Glutaric aciduria type 2. Last evaluated: 2020-10-30. Review status: no assertion criteria provided. Collection method: clinical testing. Allele origin: germline. Not counted in ClinVar's aggregate classification.

NM_004453.4(ETFDH):c.424G>A (p.Val142Ile)

Gene: ETFDH (electron transfer flavoprotein dehydrogenase; plus strand). Cytogenetic location: 4q32.1.
Variant type: single nucleotide variant.
Coding change: c.424G>A on transcript NM_004453.4 (MANE Select); coding-DNA position 424, G replaced by A.
Protein change: p.Val142Ile; replaces valine 142 with isoleucine.
Molecular consequence: missense variant.
Genome position (GRCh38, 1-based): chr4:158,684,610, G>A. VCF-style: chr4-158684610-G-A. GRCh37 (hg19) VCF-style: chr4-159605762-G-A.
Other names: c.283G>A, p.Val95Ile (NM_001281737.2); c.241G>A, p.Val81Ile (NM_001281738.1); c.424G>A (NM_004453.2); short protein forms V142I, V81I, V95I.
Identifiers: ClinVar variation 990930 (VCV000990930.6), dbSNP rs146982178, ClinGen allele CA3122358.